The following is an entry in ClinVar:

ClinVar aggregate classification (germline): Uncertain significance. Review status: criteria provided, multiple submitters, no conflicts (2 of 4 stars). 2 submissions from 2 submitters: Uncertain significance (2). Last evaluated 2026-01-13.

Conditions:
Hereditary cancer-predisposing syndrome. Also called: Neoplastic Syndromes, Hereditary; Tumor predisposition; Hereditary neoplastic syndrome; Hereditary Cancer Syndrome. Identifiers: Orphanet 140162, MedGen C0027672, MeSH D009386, MONDO:0015356.
Neuroblastoma, susceptibility to, 3. Also called: ALK-Related Neuroblastic Tumor Susceptibility. Identifiers: Orphanet 635, MedGen C2751681, MONDO:0013083, OMIM 613014.

Allele frequency attached by ClinVar (database versions not stated): gnomAD exomes below 0.00001.
gnomAD v4.1: 6 of 1,614,092 alleles (0.00037%); highest among the groups gnomAD compares: Non-Finnish European, 0.00034%; no homozygotes.

Submissions (2):

Labcorp Genetics (formerly Invitae), Labcorp
Classification: Uncertain significance for Neuroblastoma, susceptibility to, 3. Last evaluated: 2026-01-13. Review status: criteria provided, single submitter. Criteria: Invitae Variant Classification Sherloc (09022015). Collection method: clinical testing. Allele origin: germline.
Comment: This sequence change replaces cysteine, which is neutral and slightly polar, with tyrosine, which is neutral and polar, at codon 272 of the ALK protein (p.Cys272Tyr). This variant is present in population databases (no rsID available, gnomAD 0.0009%). This variant has not been reported in the literature in individuals affected with ALK-related conditions. ClinVar contains an entry for this variant (Variation ID: 1762220). An algorithm developed to predict the effect of missense changes on protein structure and function (PolyPhen-2) suggests that this variant is likely to be disruptive. In summary, the available evidence is currently insufficient to determine the role of this variant in disease. Therefore, it has been classified as a Variant of Uncertain Significance.

Ambry Genetics
Classification: Uncertain significance for Hereditary cancer-predisposing syndrome. Last evaluated: 2025-10-29. Review status: criteria provided, single submitter. Criteria: Ambry Variant Classification Scheme 2023. Collection method: clinical testing. Allele origin: germline.
Comment: The p.C272Y variant (also known as c.815G>A), located in coding exon 3 of the ALK gene, results from a G to A substitution at nucleotide position 815. The cysteine at codon 272 is replaced by tyrosine, an amino acid with highly dissimilar properties. This amino acid position is conserved. In addition, the in silico prediction for this alteration is inconclusive. Based on the available evidence, the clinical significance of this variant remains unclear.

NM_004304.5(ALK):c.815G>A (p.Cys272Tyr)

Gene: ALK (ALK receptor tyrosine kinase; minus strand). Cytogenetic location: 2p23.2.
Variant type: single nucleotide variant.
Coding change: c.815G>A on transcript NM_004304.5 (MANE Select); coding-DNA position 815, G replaced by A.
Protein change: p.Cys272Tyr; replaces cysteine 272 with tyrosine.
Molecular consequence: missense variant.
Genome position (GRCh38, 1-based): chr2:29,694,987, C>T on the plus strand (G>A on the coding strand, the complement: ALK is on the minus strand). VCF-style: chr2-29694987-C-T. GRCh37 (hg19) VCF-style: chr2-29917853-C-T.
Other names: short protein forms C272Y.
Identifiers: ClinVar variation 1762220 (VCV001762220.4), dbSNP rs1199869067, ClinGen allele CA346587087.